The following is an entry in ClinVar:

ClinVar aggregate classification (germline): Uncertain significance (1 of 4 stars; one submission).

Submission:

Labcorp Genetics (formerly Invitae), Labcorp
Classification: Uncertain significance. Last evaluated: 2025-04-01. Review status: criteria provided, single submitter. Criteria: Invitae Variant Classification Sherloc (09022015). Collection method: clinical testing. Allele origin: germline.
Comment: This sequence change replaces arginine, which is basic and polar, with serine, which is neutral and polar, at codon 8 of the AFF2 protein (p.Arg8Ser). This variant is not present in population databases (gnomAD no frequency). This variant has not been reported in the literature in individuals affected with AFF2-related conditions. An algorithm developed to predict the effect of missense changes on protein structure and function (PolyPhen-2) suggests that this variant is likely to be tolerated. In summary, the available evidence is currently insufficient to determine the role of this variant in disease. Therefore, it has been classified as a Variant of Uncertain Significance.

NM_002025.4(AFF2):c.24A>C (p.Arg8Ser)

Gene: AFF2 (ALF transcription elongation factor 2; plus strand). Cytogenetic location: Xq28.
Variant type: single nucleotide variant.
Coding change: c.24A>C on transcript NM_002025.4 (MANE Select); coding-DNA position 24, A replaced by C.
Protein change: p.Arg8Ser; replaces arginine 8 with serine.
Molecular consequence: missense variant.
Genome position (GRCh38, 1-based): chrX:148,501,121, A>C. VCF-style: chrX-148501121-A-C. GRCh37 (hg19) VCF-style: chrX-147582641-A-C.
Other names: c.24A>C, p.Arg8Ser (NM_001169122.2, NM_001169123.2, NM_001169124.2 and 1 more transcripts); short protein forms R8S.
Identifiers: ClinVar variation 4716526 (VCV004716526.1).